The following is an entry in ClinVar:

NM_016219.5(MAN1B1):c.1907_1911del (p.Gly636fs)

Gene: MAN1B1 (mannosidase alpha class 1B member 1; plus strand). Cytogenetic location: 9q34.3.
Variant type: Deletion.
Coding change: c.1907_1911del on transcript NM_016219.5 (MANE Select); coding-DNA positions 1907 to 1911, 5 bases deleted (GTGGC; older notation c.1907_1911delGTGGC).
Protein change: p.Gly636fs; shifts the reading frame from glycine 636.
Molecular consequence: frameshift variant. On other transcripts: non-coding transcript variant (2).
Genome position (GRCh38, 1-based): chr9:137,108,398-137,108,402, GTGGC deleted. VCF-style (leftmost placement, unchanged base first): chr9-137108397-GGTGGC-G. GRCh37 (hg19) VCF-style: chr9-140002849-GGTGGC-G.
Other names: short protein forms G636fs.
Identifiers: ClinVar variation 4075755 (VCV004075755.1).
Genomic context (GRCh38, chr9:137,108,397, plus strand): 5'-GGGGGTGCAGGGTGCCCCCCGTGTGGTGACGAGGCCCTGGCTGCTGCACAGGTCCCCTCG[GGTGGC>G]TATTCTTCCATCAACAATGTCCAGGATCCTCAGAAGCCCGAGCCTAGGGACAAGATGGAG-3'

ClinVar aggregate classification (germline): Likely pathogenic (0 of 4 stars; one submission).

Conditions:
Rafiq syndrome (RAFQS). Identifiers: Orphanet 88616, MedGen C3280127, MONDO:0013624, OMIM 614202.

Submission:

Department of Reproductive Genetics, International Peace Maternity and Child Health Hospital, Shanghai Jiao Tong University School of Medicine
Classification: Likely pathogenic for Rafiq syndrome. Last evaluated: 2025-05-01. Review status: no assertion criteria provided. Collection method: clinical testing. Allele origin: inherited. Affected: yes.
Comment: The variant NM_016219.5:c.1907_1911del in MAN1B1 cause a frameshift deletion predicted to result in premature termination of translation.